The following is an entry in ClinVar:

ClinVar aggregate classification (germline): Uncertain significance (1 of 4 stars; one submission).

Conditions:
Ataxia-telangiectasia syndrome (AT). Also called: LOUIS-BAR SYNDROME; Cerebello-oculocutaneous telangiectasia; Immunodeficiency with ataxia telangiectasia; Ataxia telangiectasia (A-T); Ataxia-telangiectasia, complementation group D; AT, COMPLEMENTATION GROUP C. Identifiers: Orphanet 100, MedGen C0004135, MONDO:0008840, OMIM 208900.

Submission:

Labcorp Genetics (formerly Invitae), Labcorp
Classification: Uncertain significance for Ataxia-telangiectasia syndrome. Last evaluated: 2023-02-24. Review status: criteria provided, single submitter. Criteria: Invitae Variant Classification Sherloc (09022015). Collection method: clinical testing. Allele origin: germline.
Comment: This sequence change replaces proline, which is neutral and non-polar, with histidine, which is basic and polar, at codon 2964 of the ATM protein (p.Pro2964His). In summary, the available evidence is currently insufficient to determine the role of this variant in disease. Therefore, it has been classified as a Variant of Uncertain Significance. An algorithm developed to predict the effect of missense changes on protein structure and function (PolyPhen-2) suggests that this variant is likely to be disruptive. This variant has not been reported in the literature in individuals affected with ATM-related conditions. This variant is not present in population databases (gnomAD no frequency).

NM_000051.4(ATM):c.8891C>A (p.Pro2964His)

Genes: ATM (ATM serine/threonine kinase; plus strand), C11orf65 (chromosome 11 open reading frame 65; minus strand). Cytogenetic location: 11q22.3.
Variant type: single nucleotide variant.
Coding change: c.8891C>A on transcript NM_000051.4 (MANE Select); coding-DNA position 8891, C replaced by A.
Protein change: p.Pro2964His; replaces proline 2964 with histidine.
Molecular consequence: missense variant. On other transcripts: intron variant (2).
Genome position (GRCh38, 1-based): chr11:108,365,122, C>A. VCF-style: chr11-108365122-C-A. GRCh37 (hg19) VCF-style: chr11-108235849-C-A.
Other names: c.8891C>A, p.Pro2964His (NM_001351834.2); c.640+20798G>T (NM_001330368.2); c.694+20798G>T (NM_001351110.2); short protein forms P2964H.
Identifiers: ClinVar variation 2840328 (VCV002840328.3), dbSNP rs2137875294, ClinGen allele CA382529748.